The following is an entry in ClinVar:

NM_002303.6(LEPR):c.2674-5969C>T

Gene: LEPR (leptin receptor; plus strand). Cytogenetic location: 1p31.3.
Variant type: single nucleotide variant.
Coding change: c.2674-5969C>T on transcript NM_002303.6 (MANE Select); 5969 bases into the intron before coding-DNA position 2674, C replaced by T.
Molecular consequence: intron variant. On other transcripts: synonymous variant (2).
Genome position (GRCh38, 1-based): chr1:65,630,222, C>T. VCF-style: chr1-65630222-C-T. GRCh37 (hg19) VCF-style: chr1-66095905-C-T.
Other names: c.2694C>T, p.Phe898= (NM_001003680.3, NM_001198687.2); c.2674-2930C>T (NM_001003679.3, NM_001198689.2).
Identifiers: ClinVar variation 4983617 (VCV004983617.1).

ClinVar aggregate classification (germline): Likely benign (1 of 4 stars; one submission).

Conditions:
LEPR-related disorder. Also called: LEPR-related condition; LEPR-related disorders.

gnomAD v4.1: 11 of 341,210 alleles (0.0032%); highest among the groups gnomAD compares: South Asian, 0.018%; 1 homozygote.

Submission:

PreventionGenetics, part of Exact Sciences
Classification: Likely benign for LEPR-related condition. Last evaluated: 2026-04-21. Review status: criteria provided, single submitter. Criteria: ACMG Guidelines, 2015. Collection method: clinical testing. Allele origin: germline.
Comment: This variant is classified as likely benign based on ACMG/AMP sequence variant interpretation guidelines (Richards et al. 2015 PMID: 25741868, with internal and published modifications).